The following is an entry in ClinVar:

NM_000238.4(KCNH2):c.947T>G (p.Leu316Arg)

Gene: KCNH2 (potassium voltage-gated channel subfamily H member 2; minus strand). Cytogenetic location: 7q36.1.
Variant type: single nucleotide variant.
Coding change: c.947T>G on transcript NM_000238.4 (MANE Select); coding-DNA position 947, T replaced by G.
Protein change: p.Leu316Arg; replaces leucine 316 with arginine.
Molecular consequence: missense variant.
Genome position (GRCh38, 1-based): chr7:150,957,472, A>C on the plus strand (T>G on the coding strand, the complement: KCNH2 is on the minus strand). VCF-style: chr7-150957472-A-C. GRCh37 (hg19) VCF-style: chr7-150654560-A-C.
Other names: c.659T>G, p.Leu220Arg (NM_001406753.1, NM_001406756.1); c.770T>G, p.Leu257Arg (NM_001406755.1); c.647T>G, p.Leu216Arg (NM_001406757.1); c.947T>G, p.Leu316Arg (NM_172056.3); short protein forms L216R, L220R, L257R, L316R.
Identifiers: ClinVar variation 1800478 (VCV001800478.1), dbSNP rs1801414094, ClinGen allele CA369861857.

ClinVar aggregate classification (germline): Uncertain significance (1 of 4 stars; one submission).

Submission:

GeneDx
Classification: Uncertain significance. Last evaluated: 2022-05-17. Review status: criteria provided, single submitter. Criteria: GeneDx Variant Classification Process June 2021. Collection method: clinical testing. Allele origin: germline. Affected: yes.
Comment: Not observed at significant frequency in large population cohorts (gnomAD); In silico analysis supports that this missense variant has a deleterious effect on protein structure/function; Has not been previously published as pathogenic or benign to our knowledge